The following is an entry in ClinVar:

ClinVar aggregate classification (germline): Benign/Likely benign. Review status: criteria provided, multiple submitters, no conflicts (2 of 4 stars). 13 submissions from 13 submitters: Benign (6); Likely benign (7). Last evaluated 2026-09-01.

Conditions:
Cardiovascular phenotype. Identifiers: MedGen CN230736.
Familial hypobetalipoproteinemia 1. Also called: Hypobetalipoproteinemia, normotriglyceridemic; Acanthocytosis with hypobetalipoproteinemia; APOB-Related Familial Hypobetalipoproteinemia. Identifiers: MedGen C4551990, MONDO:0014252, OMIM 615558.
Hypercholesterolemia, autosomal dominant, type B (FHCL2). Also called: APOB-Related Familial Hypercholesterolemia, Autosomal Dominant; Familial hypercholesterolemia 2; APOLIPOPROTEIN B-100, FAMILIAL DEFECTIVE; APOLIPOPROTEIN B-100, FAMILIAL LIGAND-DEFECTIVE; Familial Hypercholesterolemia Type B; Hyperlipoproteinemia Type IIb. Identifiers: MedGen C1704417, MONDO:0007751, OMIM 144010.
Familial hypercholesterolemia. Also called: Familial hypercholesterolaemia; Familial hypercholesterolemias. Identifiers: MedGen C0020445, MONDO:0005439.
Hypercholesterolemia, familial, 1. Also called: LDL RECEPTOR DISORDER; Hyperlipoproteinemia Type IIa; HYPER-LOW-DENSITY-LIPOPROTEINEMIA; HYPERCHOLESTEROLEMIC XANTHOMATOSIS, FAMILIAL; Fredrickson type IIa hyperlipoproteinemia; Hyperlipoproteinemia type 2. Identifiers: Orphanet 391665, MedGen C0745103, MONDO:0007750, OMIM 143890.

Allele frequency attached by ClinVar (database versions not stated): gnomAD exomes 0.00043 and 0.00112; ExAC 0.00120; 1000 Genomes Project 0.00339; gnomAD 0.00356 and 0.00387; 1000 Genomes Project 30x 0.00359; TOPMed 0.00424; ESP Exome Variant Server 0.00438.
gnomAD v4.1: 1,198 of 1,614,204 alleles (0.074%); highest among the groups gnomAD compares: African/African-American, 1.3%; 9 homozygotes.

Submissions (13):

CeGaT Center for Human Genetics Tuebingen
Classification: Likely benign. Last evaluated: 2026-09-01. Review status: criteria provided, single submitter. Criteria: CeGaT Center For Human Genetics Tuebingen Variant Classification Criteria Version 2. Collection method: clinical testing. Allele origin: germline. Affected: yes. Observed: 6 variant alleles.
Comment: APOB: BP4, BS1

Labcorp Genetics (formerly Invitae), Labcorp
Classification: Benign for Familial hypobetalipoproteinemia 1; Hypercholesterolemia, autosomal dominant, type B. Last evaluated: 2026-01-27. Review status: criteria provided, single submitter. Criteria: Invitae Variant Classification Sherloc (09022015). Collection method: clinical testing. Allele origin: germline.

Molecular Diagnostic Laboratory for Inherited Cardiovascular Disease, Montreal Heart Institute
Classification: Likely benign. Last evaluated: 2025-04-09. Review status: criteria provided, single submitter. Criteria: ACMG Guidelines, 2015. Collection method: clinical testing. Allele origin: germline. Affected: no.

Blueprint Genetics
Classification: Likely benign. Last evaluated: 2024-10-08. Review status: criteria provided, single submitter. Criteria: ACMG Guidelines, 2015. Collection method: clinical testing. Allele origin: germline.

ARUP Laboratories, Molecular Genetics and Genomics, ARUP Laboratories
Classification: Likely benign. Last evaluated: 2023-10-13. Review status: criteria provided, single submitter. Criteria: ARUP Molecular Germline Variant Investigation Process 2024. Collection method: clinical testing. Allele origin: germline.

GENinCode PLC
Classification: Benign for Familial hypercholesterolemia. Last evaluated: 2022-06-23. Review status: criteria provided, single submitter. Criteria: ACMG Guidelines, 2015. Collection method: clinical testing. Allele origin: germline.

GeneDx
Classification: Benign. Last evaluated: 2020-10-13. Review status: criteria provided, single submitter. Criteria: GeneDx Variant Classification Process June 2021. Collection method: clinical testing. Allele origin: germline. Affected: yes.

Quest Diagnostics Nichols Institute San Juan Capistrano
Classification: Benign. Last evaluated: 2020-06-13. Review status: criteria provided, single submitter. Criteria: Quest Diagnostics criteria. Collection method: clinical testing. Allele origin: unknown.

Color Diagnostics, LLC DBA Color Health
Classification: Benign for Familial hypercholesterolemias. Last evaluated: 2018-06-28. Review status: criteria provided, single submitter. Criteria: ACMG Guidelines, 2015. Collection method: clinical testing. Allele origin: germline.

Robarts Research Institute, Western University
Classification: Likely benign for Hypercholesterolemia, familial, 1. Last evaluated: 2018-01-02. Review status: criteria provided, single submitter. Criteria: ACMG Guidelines, 2015. Collection method: clinical testing. Allele origin: germline. Inheritance: Autosomal dominant inheritance. Affected: yes.

Ambry Genetics
Classification: Benign for Cardiovascular phenotype. Last evaluated: 2017-02-07. Review status: criteria provided, single submitter. Criteria: Ambry Variant Classification Scheme 2023. Collection method: clinical testing. Allele origin: germline.

Center for Pediatric Genomic Medicine, Children's Mercy Hospital and Clinics
Classification: Likely benign. Last evaluated: 2016-02-11. Review status: criteria provided, single submitter. Criteria: ACMG Guidelines, 2015. Collection method: clinical testing. Allele origin: germline.
ClinVar note: Converted during submission from Likely Benign to Likely benign.

Breakthrough Genomics
Classification: Likely benign. Review status: criteria provided, single submitter. Criteria: ACMG Guidelines, 2015. Collection method: not provided. Allele origin: germline. Inheritance: Autosomal recessive inheritance. Affected: yes.

NM_000384.3(APOB):c.606A>T (p.Glu202Asp)

Gene: APOB (apolipoprotein B; minus strand). Cytogenetic location: 2p24.1.
Variant type: single nucleotide variant.
Coding change: c.606A>T on transcript NM_000384.3 (MANE Select); coding-DNA position 606, A replaced by T.
Protein change: p.Glu202Asp; replaces glutamic acid 202 with aspartic acid.
Molecular consequence: missense variant.
Genome position (GRCh38, 1-based): chr2:21,037,187, T>A on the plus strand (A>T on the coding strand, the complement: APOB is on the minus strand). VCF-style: chr2-21037187-T-A. GRCh37 (hg19) VCF-style: chr2-21260059-T-A.
Other names: short protein forms E202D.
Identifiers: ClinVar variation 235263 (VCV000235263.55), dbSNP rs61746672, ClinGen allele CA062826.